The following is an entry in ClinVar:

NM_032188.3(KAT8):c.169A>G (p.Ile57Val)

Gene: KAT8 (lysine acetyltransferase 8; plus strand). Cytogenetic location: 16p11.2.
Variant type: single nucleotide variant.
Coding change: c.169A>G on transcript NM_032188.3 (MANE Select); coding-DNA position 169, A replaced by G.
Protein change: p.Ile57Val; replaces isoleucine 57 with valine.
Molecular consequence: missense variant.
Genome position (GRCh38, 1-based): chr16:31,117,850, A>G. VCF-style: chr16-31117850-A-G. GRCh37 (hg19) VCF-style: chr16-31129171-A-G.
Other names: c.169A>G (NM_182958.2); c.169A>G, p.Ile57Val (NM_182958.4); short protein forms I57V.
Identifiers: ClinVar variation 4079042 (VCV004079042.2).
Genomic context (GRCh38, chr16:31,117,850, plus strand): 5'-TCCCCGGGCCGCGTCTCTCCGCCGACCCCGGCGCGCGGCGAGCCGGAAGTCACGGTGGAG[A>G]TCGGAGAAACGTACCTGTGCCGGCGACCGGATAGCACCTGGCGTGAGGGCGGGGCCCAGG-3'
Protein context (NP_115564.2, residues 47-67): ARGEPEVTVE[Ile57Val]GETYLCRRPD

ClinVar aggregate classification (germline): Uncertain significance. Review status: criteria provided, multiple submitters, no conflicts (2 of 4 stars). 2 submissions from 2 submitters: Uncertain significance (2). Last evaluated 2026-01-29.

Conditions:
Li-Ghorbani-Weisz-Hubshman syndrome. Identifiers: MedGen C5436525, MONDO:0033547, OMIM 618974.

Submissions (2):

GeneDx
Classification: Uncertain significance. Last evaluated: 2026-01-29. Review status: criteria provided, single submitter. Criteria: GeneDx Variant Classification Process June 2021. Collection method: clinical testing. Allele origin: germline.
Comment: Not observed at significant frequency in large population cohorts (gnomAD); In silico analysis supports a deleterious effect on splicing; In silico analysis suggests that this missense variant does not alter protein structure/function; Has not been previously published as pathogenic or benign to our knowledge

Revvity Omics, Revvity
Classification: Uncertain significance for Li-Ghorbani-Weisz-Hubshman syndrome. Last evaluated: 2025-05-02. Review status: criteria provided, single submitter. Criteria: ACMG Guidelines, 2015. Collection method: clinical testing. Allele origin: germline.